The following is an entry in ClinVar:

GRCh38/hg38 5q23.1(chr5:116732695-118380159)x3

Genes: LINC00992 (long intergenic non-protein coding RNA 992; plus strand), LINC02147 (long intergenic non-protein coding RNA 2147; plus strand), LINC02148 (long intergenic non-protein coding RNA 2148; plus strand), LINC02208 (long intergenic non-protein coding RNA 2208; minus strand), LINC02214 (long intergenic non-protein coding RNA 2214; minus strand) and 9 more. Cytogenetic location: 5q23.1.
Variant type: copy number gain.
Change: copy number 3 (three copies instead of two) of chr5:116,732,695-118,380,159 (1.65 Mb, GRCh38 coordinates, 1-based), cytogenetic band 5q23.1.
Identifiers: ClinVar variation 59448 (VCV000059448.1).

ClinVar aggregate classification (germline): Uncertain significance (1 of 4 stars; one submission).

Submission:

ISCA site 17
Classification: Uncertain significance. Last evaluated: 2011-08-12. Review status: criteria provided, single submitter. Criteria: Kaminsky et al. (Genet Med. 2011). Collection method: clinical testing. Allele origin: unknown. Affected: yes. Observed: 1 variant allele.
Comment: Copy number variation identified through the course of routine clinical cytogenomic testing in postnatal populations. Clinical assertions have been curated as described in Kaminsky et al. 2011.